The following is an entry in ClinVar:

ClinVar aggregate classification (germline): Likely benign (1 of 4 stars; one submission).

gnomAD v4.1: 170 of 1,360,616 alleles (0.012%); highest among the groups gnomAD compares: African/African-American, 0.24%; no homozygotes.

Submission:

Molecular Diagnostic Laboratory for Inherited Cardiovascular Disease, Montreal Heart Institute
Classification: Likely benign. Last evaluated: 2026-03-27. Review status: criteria provided, single submitter. Criteria: ACMG Guidelines, 2015. Collection method: clinical testing. Allele origin: germline. Affected: no.
Comment: BS1;BP7

NM_006663.4(PPP1R13L):c.507G>A (p.Gln169=)

Gene: PPP1R13L (protein phosphatase 1 regulatory subunit 13 like; minus strand). Cytogenetic location: 19q13.32.
Variant type: single nucleotide variant.
Coding change: c.507G>A on transcript NM_006663.4 (MANE Select); coding-DNA position 507, G replaced by A.
Protein change: p.Gln169=; no amino-acid change (glutamine 169 retained).
Molecular consequence: synonymous variant.
Genome position (GRCh38, 1-based): chr19:45,396,750, C>T on the plus strand (G>A on the coding strand, the complement: PPP1R13L is on the minus strand). VCF-style: chr19-45396750-C-T. GRCh37 (hg19) VCF-style: chr19-45900008-C-T.
Other names: c.507G>A, p.Gln169= (NM_001142502.2).
Identifiers: ClinVar variation 4820478 (VCV004820478.1), dbSNP rs576651230.
Genomic context (GRCh38, chr19:45,396,750, plus strand): 5'-CAGGGGGCTGCCGCGGGGGGAGCCTGCGCGGCCCAGGAAGTCGAAAGGCGTGGGGGGACC[C>T]TGCTGGCGGAGCGGGCCTGGCCCGGGCCGCGGGGAGGGCGCACGGCCGAGGGAGCTGCCT-3'
Protein context (NP_006654.2, residues 159-179): PRPGPGPLRQ[Gln169=]GPPTPFDFLG